The following is an entry in ClinVar:

ClinVar aggregate classification (germline): Uncertain significance. Review status: criteria provided, multiple submitters, no conflicts (2 of 4 stars). 3 submissions from 3 submitters: Uncertain significance (3). Last evaluated 2025-04-04.

Allele frequency attached by ClinVar (database versions not stated): gnomAD 0.00001; gnomAD exomes 0.00001 and 0.00002; TOPMed 0.00002.
gnomAD v4.1: 28 of 1,612,062 alleles (0.0017%); highest among the groups gnomAD compares: Non-Finnish European, 0.0023%; no homozygotes.

Submissions (3):

Ambry Genetics
Classification: Uncertain significance. Last evaluated: 2025-04-04. Review status: criteria provided, single submitter. Criteria: Ambry Variant Classification Scheme 2023. Collection method: clinical testing. Allele origin: germline.

Blueprint Genetics
Classification: Uncertain significance. Last evaluated: 2024-06-10. Review status: criteria provided, single submitter. Criteria: ACMG Guidelines, 2015. Collection method: clinical testing. Allele origin: germline.

Labcorp Genetics (formerly Invitae), Labcorp
Classification: Uncertain significance. Last evaluated: 2023-08-17. Review status: criteria provided, single submitter. Criteria: Invitae Variant Classification Sherloc (09022015). Collection method: clinical testing. Allele origin: germline.
Comment: In summary, the available evidence is currently insufficient to determine the role of this variant in disease. Therefore, it has been classified as a Variant of Uncertain Significance. This sequence change replaces lysine, which is basic and polar, with asparagine, which is neutral and polar, at codon 100 of the SPPL2A protein (p.Lys100Asn). This variant is present in population databases (no rsID available, gnomAD 0.002%). This variant has not been reported in the literature in individuals affected with SPPL2A-related conditions. ClinVar contains an entry for this variant (Variation ID: 1479059). An algorithm developed to predict the effect of missense changes on protein structure and function (PolyPhen-2) suggests that this variant is likely to be disruptive.

NM_032802.4(SPPL2A):c.300A>C (p.Lys100Asn)

Gene: SPPL2A (signal peptide peptidase like 2A; minus strand). Cytogenetic location: 15q21.2.
Variant type: single nucleotide variant.
Coding change: c.300A>C on transcript NM_032802.4 (MANE Select); coding-DNA position 300, A replaced by C.
Protein change: p.Lys100Asn; replaces lysine 100 with asparagine.
Molecular consequence: missense variant.
Genome position (GRCh38, 1-based): chr15:50,748,748, T>G on the plus strand (A>C on the coding strand, the complement: SPPL2A is on the minus strand). VCF-style: chr15-50748748-T-G. GRCh37 (hg19) VCF-style: chr15-51040945-T-G.
Other names: c.300A>C (NM_032802.3); short protein forms K100N.
Identifiers: ClinVar variation 1479059 (VCV001479059.10), dbSNP rs1191043791, ClinGen allele CA392414796.